The following is an entry in ClinVar:

NM_024635.4(NAA35):c.1027G>T (p.Val343Leu)

Gene: NAA35 (N-alpha-acetyltransferase 35, NatC auxiliary subunit; plus strand). Cytogenetic location: 9q21.33.
Variant type: single nucleotide variant.
Coding change: c.1027G>T on transcript NM_024635.4 (MANE Select); coding-DNA position 1027, G replaced by T.
Protein change: p.Val343Leu; replaces valine 343 with leucine.
Molecular consequence: missense variant.
Genome position (GRCh38, 1-based): chr9:85,996,548, G>T. VCF-style: chr9-85996548-G-T. GRCh37 (hg19) VCF-style: chr9-88611463-G-T.
Other names: c.1027G>T, p.Val343Leu (NM_001321881.2, NM_001321882.2); short protein forms V343L.
Identifiers: ClinVar variation 4752744 (VCV004752744.1).

ClinVar aggregate classification (germline): Uncertain significance (1 of 4 stars; one submission).

gnomAD v4.1: 96 of 1,584,714 alleles (0.0061%); highest among the groups gnomAD compares: East Asian, 0.16%; no homozygotes.

Submission:

Labcorp Genetics (formerly Invitae), Labcorp
Classification: Uncertain significance. Last evaluated: 2025-07-13. Review status: criteria provided, single submitter. Criteria: Invitae Variant Classification Sherloc (09022015). Collection method: clinical testing. Allele origin: germline.
Comment: This sequence change replaces valine, which is neutral and non-polar, with leucine, which is neutral and non-polar, at codon 343 of the NAA35 protein (p.Val343Leu). This variant is present in population databases (rs751374102, gnomAD 0.2%), and has an allele count higher than expected for a pathogenic variant. This variant has not been reported in the literature in individuals affected with NAA35-related conditions. An algorithm developed to predict the effect of missense changes on protein structure and function (PolyPhen-2) suggests that this variant is likely to be tolerated. In summary, the available evidence is currently insufficient to determine the role of this variant in disease. Therefore, it has been classified as a Variant of Uncertain Significance.